The following is an entry in ClinVar:

ClinVar aggregate classification (germline): Likely pathogenic (1 of 4 stars; one submission).

Conditions:
Episodic ataxia type 2 (EA2). Also called: ATAXIA, EPISODIC, WITH NYSTAGMUS; ATAXIA, FAMILIAL PAROXYSMAL; CEREBELLAR ATAXIA, PAROXYSMAL, ACETAZOLAMIDE-RESPONSIVE; CEREBELLOPATHY, HEREDITARY PAROXYSMAL; ACETAZOLAMIDE-RESPONSIVE HEREDITARY PAROXYSMAL CEREBELLAR ATAXIA; EPISODIC ATAXIA, NYSTAGMUS-ASSOCIATED. Identifiers: Orphanet 97, MedGen C1720416, MONDO:0007163, OMIM 108500.
Developmental and epileptic encephalopathy, 42 (DEE42A). Also called: DEVELOPMENTAL AND EPILEPTIC ENCEPHALOPATHY 42A; EPILEPTIC ENCEPHALOPATHY, EARLY INFANTILE, 42A; Epileptic encephalopathy, early infantile, 42. Identifiers: MedGen C4310716, MONDO:0014917, OMIM 617106.

Submission:

Labcorp Genetics (formerly Invitae), Labcorp
Classification: Likely pathogenic for Developmental and epileptic encephalopathy, 42; Episodic ataxia type 2. Last evaluated: 2025-02-13. Review status: criteria provided, single submitter. Criteria: Invitae Variant Classification Sherloc (09022015). Collection method: clinical testing. Allele origin: germline.
Comment: This sequence change affects an acceptor splice site in intron 39 of the CACNA1A gene. It is expected to disrupt RNA splicing. Variants that disrupt the donor or acceptor splice site typically lead to a loss of protein function (PMID: 16199547), and loss-of-function variants in CACNA1A are known to be pathogenic (PMID: 10371528, 19486177, 25735478, 27250579). This variant is not present in population databases (gnomAD no frequency). Disruption of this splice site has been observed in individual(s) with clinical features of CACNA1A-related conditions (internal data). ClinVar contains an entry for this variant (Variation ID: 1515174). Algorithms developed to predict the effect of sequence changes on RNA splicing suggest that this variant may disrupt the consensus splice site. In summary, the currently available evidence indicates that the variant is pathogenic, but additional data are needed to prove that conclusively. Therefore, this variant has been classified as Likely Pathogenic.

Literature cited by the submitters: PubMed 16199547; PubMed 10371528; PubMed 19486177; PubMed 25735478; PubMed 27250579.

NM_001127222.2(CACNA1A):c.5840-2A>G

Gene: CACNA1A (calcium voltage-gated channel subunit alpha1 A; minus strand). Cytogenetic location: 19p13.13.
Variant type: single nucleotide variant.
Coding change: c.5840-2A>G on transcript NM_001127222.2 (MANE Select); the canonical splice acceptor site of the intron before coding-DNA position 5840, A replaced by G.
Molecular consequence: splice acceptor variant.
Genome position (GRCh38, 1-based): chr19:13,214,335, T>C on the plus strand (A>G on the coding strand, the complement: CACNA1A is on the minus strand). VCF-style: chr19-13214335-T-C. GRCh37 (hg19) VCF-style: chr19-13325149-T-C.
Other names: c.5843-2A>G (NM_001127221.2); c.5849-2A>G (NM_001174080.2); c.5858-2A>G (NM_000068.4, NM_023035.3).
Identifiers: ClinVar variation 1515174 (VCV001515174.8), dbSNP rs2144536202, ClinGen allele CA404334224.
Genomic context (GRCh38, chr19:13,214,335, plus strand): 5'-CCGGTAGTACTCCATGATCATCATGGCTGCGTAGATCTTCCCCACGGTGAGGTCCGTGGC[T>C]GGGGGCACACACACGGTGAGCTCACCAAGGGCAGGCCTCTTTGGGGCCCTTGTCCTGGGT-3'